The following is an entry in ClinVar:

NM_207346.3(TSEN54):c.926A>T (p.Asp309Val)

Gene: TSEN54 (tRNA splicing endonuclease subunit 54; plus strand). Cytogenetic location: 17q25.1.
Variant type: single nucleotide variant.
Coding change: c.926A>T on transcript NM_207346.3 (MANE Select); coding-DNA position 926, A replaced by T.
Protein change: p.Asp309Val; replaces aspartic acid 309 with valine.
Molecular consequence: missense variant.
Genome position (GRCh38, 1-based): chr17:75,522,007, A>T. VCF-style: chr17-75522007-A-T. GRCh37 (hg19) VCF-style: chr17-73518088-A-T.
Other names: short protein forms D309V.
Identifiers: ClinVar variation 5020227 (VCV005020227.1).

ClinVar aggregate classification (germline): Uncertain significance (1 of 4 stars; one submission).

Submission:

Dasa
Classification: Uncertain significance. Last evaluated: 2026-07-07. Review status: criteria provided, single submitter. Criteria: DASA Assertion Criteria. Collection method: clinical testing. Allele origin: germline.
Comment: NM_207346.3(TSEN54):c.926A>T (p.Asp309Val) is a missense variant that results in the substitution of aspartic acid with valine. This variant is rare in population databases. The currently available literature and clinical evidence are not sufficient to establish a definitive association between this variant and the reported condition. Therefore, this variant is classified as a variant of uncertain significance.